The following is an entry in ClinVar:

ClinVar aggregate classification (germline): Benign/Likely benign. Review status: criteria provided, multiple submitters, no conflicts (2 of 4 stars). 2 submissions from 2 submitters: Benign (1); Likely benign (1). Last evaluated 2024-10-14.

Conditions:
Hereditary cancer-predisposing syndrome. Also called: Neoplastic Syndromes, Hereditary; Hereditary neoplastic syndrome; Tumor predisposition; Hereditary Cancer Syndrome. Identifiers: Orphanet 140162, MedGen C0027672, MeSH D009386, MONDO:0015356.
Hereditary diffuse gastric adenocarcinoma (HDGC). Also called: DIFFUSE GASTRIC AND LOBULAR BREAST CANCER SYNDROME. Identifiers: Orphanet 26106, MedGen C1708349, MONDO:0007648, OMIM 137215.

Submissions (2):

Myriad Genetics, Inc.
Classification: Benign for Hereditary diffuse gastric adenocarcinoma. Last evaluated: 2024-10-14. Review status: criteria provided, single submitter. Criteria: Myriad Autosomal Dominant, Autosomal Recessive and X-Linked Classification Criteria (2023). Collection method: clinical testing. Allele origin: unknown.
Comment: This variant is considered benign. This variant is a silent/synonymous amino acid change and it is not expected to impact splicing.

Ambry Genetics
Classification: Likely benign for Hereditary cancer-predisposing syndrome. Last evaluated: 2024-06-18. Review status: criteria provided, single submitter. Criteria: Ambry Variant Classification Scheme 2023. Collection method: clinical testing. Allele origin: germline.

NM_001903.5(CTNNA1):c.1914G>A (p.Leu638=)

Gene: CTNNA1 (catenin alpha 1; plus strand). Cytogenetic location: 5q31.2.
Variant type: single nucleotide variant.
Coding change: c.1914G>A on transcript NM_001903.5 (MANE Select); coding-DNA position 1914, G replaced by A.
Protein change: p.Leu638=; no amino-acid change (leucine 638 retained).
Molecular consequence: synonymous variant.
Genome position (GRCh38, 1-based): chr5:138,929,260, G>A. VCF-style: chr5-138929260-G-A. GRCh37 (hg19) VCF-style: chr5-138264949-G-A.
Other names: c.1914G>A, p.Leu638= (NM_001290307.3, NM_001323982.2, NM_001323983.1 and 2 more transcripts); c.1605G>A, p.Leu535= (NM_001290309.3); c.1545G>A, p.Leu515= (NM_001290310.3); c.804G>A, p.Leu268= (NM_001290312.1, NM_001323987.1, NM_001323988.1 and 17 more transcripts); c.1821G>A, p.Leu607= (NM_001323986.2); c.465G>A, p.Leu155= (NM_001324006.1, NM_001324007.1, NM_001324008.1 and 2 more transcripts); c.711G>A, p.Leu237= (NM_001324011.1); c.561G>A, p.Leu187= (NM_001324012.1, NM_001324013.1).
Identifiers: ClinVar variation 3270107 (VCV003270107.2).